The following is an entry in ClinVar:

NM_024105.4(ALG12):c.1231G>A (p.Ala411Thr)

Gene: ALG12 (ALG12 alpha-1,6-mannosyltransferase; minus strand). Cytogenetic location: 22q13.33.
Variant type: single nucleotide variant.
Coding change: c.1231G>A on transcript NM_024105.4 (MANE Select); coding-DNA position 1231, G replaced by A.
Protein change: p.Ala411Thr; replaces alanine 411 with threonine.
Molecular consequence: missense variant.
Genome position (GRCh38, 1-based): chr22:49,904,186, C>T on the plus strand (G>A on the coding strand, the complement: ALG12 is on the minus strand). VCF-style: chr22-49904186-C-T. GRCh37 (hg19) VCF-style: chr22-50297834-C-T.
Other names: c.1231G>A (NM_024105.3); short protein forms A411T.
Identifiers: ClinVar variation 1430263 (VCV001430263.5), dbSNP rs755033821, ClinGen allele CA10300291.

ClinVar aggregate classification (germline): Uncertain significance. Review status: criteria provided, multiple submitters, no conflicts (2 of 4 stars). 2 submissions from 2 submitters: Uncertain significance (2). Last evaluated 2024-12-12.

Conditions:
Inborn genetic diseases. Identifiers: MedGen C0950123, MeSH D030342.
ALG12-congenital disorder of glycosylation (CDG1G). Also called: CDG Ig; ALG12-CDG; Congenital disorder of glycosylation, type Ig. Identifiers: Orphanet 79324, MedGen C2931001, MONDO:0011783, OMIM 607143.

Allele frequency attached by ClinVar (database versions not stated): ExAC 0.00002; gnomAD 0.00002 and 0.00003; gnomAD exomes 0.00002 and 0.00006.
gnomAD v4.1: 89 of 1,614,100 alleles (0.0055%); highest among the groups gnomAD compares: Admixed American, 0.0083%; no homozygotes.

Submissions (2):

Ambry Genetics
Classification: Uncertain significance for Inborn genetic diseases. Last evaluated: 2024-12-12. Review status: criteria provided, single submitter. Criteria: Ambry Variant Classification Scheme 2023. Collection method: clinical testing. Allele origin: germline.

Labcorp Genetics (formerly Invitae), Labcorp
Classification: Uncertain significance for ALG12-congenital disorder of glycosylation. Last evaluated: 2022-08-09. Review status: criteria provided, single submitter. Criteria: Invitae Variant Classification Sherloc (09022015). Collection method: clinical testing. Allele origin: germline.
Comment: This sequence change replaces alanine, which is neutral and non-polar, with threonine, which is neutral and polar, at codon 411 of the ALG12 protein (p.Ala411Thr). This variant is present in population databases (rs755033821, gnomAD 0.006%). This variant has not been reported in the literature in individuals affected with ALG12-related conditions. ClinVar contains an entry for this variant (Variation ID: 1430263). Algorithms developed to predict the effect of missense changes on protein structure and function (SIFT, PolyPhen-2, Align-GVGD) all suggest that this variant is likely to be tolerated. In summary, the available evidence is currently insufficient to determine the role of this variant in disease. Therefore, it has been classified as a Variant of Uncertain Significance.